The following is an entry in ClinVar:

NM_001099293.3(KIF4B):c.1158A>G (p.Gln386=)

Gene: KIF4B (kinesin family member 4B; plus strand). Cytogenetic location: 5q33.2.
Variant type: single nucleotide variant.
Coding change: c.1158A>G on transcript NM_001099293.3 (MANE Select); coding-DNA position 1158, A replaced by G.
Protein change: p.Gln386=; no amino-acid change (glutamine 386 retained).
Molecular consequence: synonymous variant.
Genome position (GRCh38, 1-based): chr5:155,015,017, A>G. VCF-style: chr5-155015017-A-G. GRCh37 (hg19) VCF-style: chr5-154394577-A-G.
Identifiers: ClinVar variation 3059859 (VCV003059859.2), dbSNP rs61739724, ClinGen allele CA3529973.

ClinVar aggregate classification (germline): Benign (0 of 4 stars; one submission).

Conditions:
KIF4B-related disorder. Also called: KIF4B-related condition.

Allele frequency attached by ClinVar (database versions not stated): ESP Exome Variant Server 0.00784; gnomAD exomes 0.01314; gnomAD 0.01572; 1000 Genomes Project 0.01597; 1000 Genomes Project 30x 0.01780; ExAC 0.02121; TOPMed 0.02150.

Submission:

PreventionGenetics, part of Exact Sciences
Classification: Benign for KIF4B-related condition. Last evaluated: 2019-04-29. Review status: no assertion criteria provided. Collection method: clinical testing. Allele origin: germline.
Comment: This variant is classified as benign based on ACMG/AMP sequence variant interpretation guidelines (Richards et al. 2015 PMID: 25741868, with internal and published modifications).